The following is an entry in ClinVar:

NM_016169.4(SUFU):c.744T>G (p.Asp248Glu)

Gene: SUFU (SUFU negative regulator of hedgehog signaling; plus strand). Cytogenetic location: 10q24.32.
Variant type: single nucleotide variant.
Coding change: c.744T>G on transcript NM_016169.4 (MANE Select); coding-DNA position 744, T replaced by G.
Protein change: p.Asp248Glu; replaces aspartic acid 248 with glutamic acid.
Molecular consequence: missense variant.
Genome position (GRCh38, 1-based): chr10:102,594,053, T>G. VCF-style: chr10-102594053-T-G. GRCh37 (hg19) VCF-style: chr10-104353810-T-G.
Other names: c.744T>G, p.Asp248Glu (NM_001178133.2); short protein forms D248E.
Identifiers: ClinVar variation 3802910 (VCV003802910.1).
Genomic context (GRCh38, chr10:102,594,053, plus strand): 5'-TGCTGGCGGCCCCTGGCTGATAACTGACATGCGGAGGGGAGAGACCATATTTGAGATCGA[T>G]CCACACCTGCAAGTATGTCTTGAGTGAGGAAAACCTTTCTAGCACCCTGTGCCTAGGCCT-3'
Protein context (NP_057253.2, residues 238-258): MRRGETIFEI[Asp248Glu]PHLQERVDKG

ClinVar aggregate classification (germline): Uncertain significance (1 of 4 stars; one submission).

Conditions:
Hereditary cancer-predisposing syndrome. Also called: Neoplastic Syndromes, Hereditary; Hereditary Cancer Syndrome; Tumor predisposition; Hereditary neoplastic syndrome. Identifiers: Orphanet 140162, MedGen C0027672, MeSH D009386, MONDO:0015356.

Submission:

Ambry Genetics
Classification: Uncertain significance for Hereditary cancer-predisposing syndrome. Last evaluated: 2025-02-24. Review status: criteria provided, single submitter. Criteria: Ambry Variant Classification Scheme 2023. Collection method: clinical testing. Allele origin: germline.
Comment: The p.D248E variant (also known as c.744T>G), located in coding exon 6 of the SUFU gene, results from a T to G substitution at nucleotide position 744. The aspartic acid at codon 248 is replaced by glutamic acid, an amino acid with highly similar properties. This amino acid position is conserved. In addition, the in silico prediction for this alteration is inconclusive. Based on the available evidence, the clinical significance of this variant remains unclear.